The following is an entry in ClinVar:

ClinVar aggregate classification (germline): Uncertain significance (1 of 4 stars; one submission).

Submission:

Labcorp Genetics (formerly Invitae), Labcorp
Classification: Uncertain significance. Last evaluated: 2022-10-25. Review status: criteria provided, single submitter. Criteria: Invitae Variant Classification Sherloc (09022015). Collection method: clinical testing. Allele origin: germline.
Comment: This sequence change falls in intron 10 of the TET2 gene. It does not directly change the encoded amino acid sequence of the TET2 protein. It affects a nucleotide within the consensus splice site. In summary, the available evidence is currently insufficient to determine the role of this variant in disease. Therefore, it has been classified as a Variant of Uncertain Significance. Variants that disrupt the consensus splice site are a relatively common cause of aberrant splicing (PMID: 17576681, 9536098). Algorithms developed to predict the effect of sequence changes on RNA splicing suggest that this variant may disrupt the consensus splice site. This variant has not been reported in the literature in individuals affected with TET2-related conditions. This variant is not present in population databases (gnomAD no frequency).

Literature cited by the submitters: PubMed 17576681; PubMed 9536098.

NM_001127208.3(TET2):c.4538-3C>G

Genes: TET2 (tet methylcytosine dioxygenase 2; plus strand), TET2-AS1 (TET2 antisense RNA 1; minus strand). Cytogenetic location: 4q24.
Variant type: single nucleotide variant.
Coding change: c.4538-3C>G on transcript NM_001127208.3 (MANE Select); 3 bases into the intron before coding-DNA position 4538, C replaced by G.
Molecular consequence: intron variant.
Genome position (GRCh38, 1-based): chr4:105,275,045, C>G. VCF-style: chr4-105275045-C-G. GRCh37 (hg19) VCF-style: chr4-106196202-C-G.
Identifiers: ClinVar variation 2117059 (VCV002117059.4), dbSNP rs2110311087, ClinGen allele CA2578160113.